The following is an entry in ClinVar:

NM_004456.5(EZH2):c.515T>C (p.Val172Ala)

Gene: EZH2 (enhancer of zeste 2 polycomb repressive complex 2 subunit; minus strand). Cytogenetic location: 7q36.1.
Variant type: single nucleotide variant.
Coding change: c.515T>C on transcript NM_004456.5 (MANE Select); coding-DNA position 515, T replaced by C.
Protein change: p.Val172Ala; replaces valine 172 with alanine.
Molecular consequence: missense variant.
Genome position (GRCh38, 1-based): chr7:148,828,850, A>G on the plus strand (T>C on the coding strand, the complement: EZH2 is on the minus strand). VCF-style: chr7-148828850-A-G. GRCh37 (hg19) VCF-style: chr7-148525942-A-G.
Other names: c.515T>C, p.Val172Ala (NM_001203247.2); c.488T>C, p.Val163Ala (NM_001203248.2, NM_001203249.2); c.398T>C, p.Val133Ala (NM_152998.3); short protein forms V133A, V163A, V172A.
Identifiers: ClinVar variation 2080391 (VCV002080391.4), dbSNP rs2537149561, ClinGen allele CA369720654.

ClinVar aggregate classification (germline): Uncertain significance (1 of 4 stars; one submission).

Conditions:
Weaver syndrome (WVS). Also called: Weaver Smith syndrome; Overgrowth syndrome with accelerated skeletal maturation, unusual facies, and camptodactyly. Identifiers: Orphanet 3447, MedGen C0265210, MONDO:0010193, OMIM 277590.

Allele frequency attached by ClinVar (database versions not stated): gnomAD exomes below 0.00001.
gnomAD v4.1: 3 of 1,613,316 alleles (0.00019%); highest among the groups gnomAD compares: Non-Finnish European, 0.00017%; no homozygotes.

Submission:

Labcorp Genetics (formerly Invitae), Labcorp
Classification: Uncertain significance for Weaver syndrome. Last evaluated: 2025-03-11. Review status: criteria provided, single submitter. Criteria: Invitae Variant Classification Sherloc (09022015). Collection method: clinical testing. Allele origin: germline.
Comment: This sequence change replaces valine, which is neutral and non-polar, with alanine, which is neutral and non-polar, at codon 172 of the EZH2 protein (p.Val172Ala). This variant is not present in population databases (gnomAD no frequency). This variant has not been reported in the literature in individuals affected with EZH2-related conditions. ClinVar contains an entry for this variant (Variation ID: 2080391). Invitae Evidence Modeling of protein sequence and biophysical properties (such as structural, functional, and spatial information, amino acid conservation, physicochemical variation, residue mobility, and thermodynamic stability) has been performed for this missense variant. However, the output from this modeling did not meet the statistical confidence thresholds required to predict the impact of this variant on EZH2 protein function. In summary, the available evidence is currently insufficient to determine the role of this variant in disease. Therefore, it has been classified as a Variant of Uncertain Significance.